The following is an entry in ClinVar:

NM_003803.4(MYOM1):c.1235A>G (p.Asp412Gly)

Gene: MYOM1 (myomesin 1; minus strand). Cytogenetic location: 18p11.31.
Variant type: single nucleotide variant.
Coding change: c.1235A>G on transcript NM_003803.4 (MANE Select); coding-DNA position 1235, A replaced by G.
Protein change: p.Asp412Gly; replaces aspartic acid 412 with glycine.
Molecular consequence: missense variant.
Genome position (GRCh38, 1-based): chr18:3,168,921, T>C on the plus strand (A>G on the coding strand, the complement: MYOM1 is on the minus strand). VCF-style: chr18-3168921-T-C. GRCh37 (hg19) VCF-style: chr18-3168919-T-C.
Other names: c.1235A>G, p.Asp412Gly (NM_019856.2); short protein forms D412G.
Identifiers: ClinVar variation 229015 (VCV000229015.5), dbSNP rs767444514, ClinGen allele CA8875001.
Genomic context (GRCh38, chr18:3,168,921, plus strand): 5'-GGAGTGATGACAACACGACAGCCTAGACTCATTGTCTCTCCCTCTCTCCCAAAAGACACA[T>C]CAAATTTGTCATCAAAGTGGATCTCAAACCGGGATGCATAACCATATGGGGTCACACCAA-3'
Protein context (NP_003794.3, residues 402-422): RFEIHFDDKF[Asp412Gly]VSFGREGETM

ClinVar aggregate classification (germline): Uncertain significance (1 of 4 stars; one submission).

Allele frequency attached by ClinVar (database versions not stated): gnomAD below 0.00001 and 0.00001; ExAC 0.00001; gnomAD exomes 0.00001.
gnomAD v4.1: 12 of 1,613,614 alleles (0.00074%); highest among the groups gnomAD compares: Middle Eastern, 0.016%; no homozygotes.

Submission:

Laboratory for Molecular Medicine, Mass General Brigham Personalized Medicine
Classification: Uncertain significance. Last evaluated: 2015-07-07. Review status: criteria provided, single submitter. Criteria: LMM Criteria. Collection method: clinical testing. Allele origin: germline. Observed: 1 variant allele.
Comment: The p.Asp412Gly variant in MYOM1 has not been previously reported in individuals with cardiomyopathy, but has been identified in 1/64312 European chromosomes by the Exome Aggregation Consortium (ExAC; dbSNP r s767444514). Aspartic acid (Asp) at position 412 is not highly conserved in mamm als or evolutionarily distant species and 15 reptile and fish species carry a gl ycine (Gly) at this position, raising the possibility that this change may be to lerated. However, in silico models suggest this variant may impact splicing, but this information is not predictive enough to determine pathogenicity. In summar y, the clinical significance of the p.Asp412Gly variant is uncertain.

Literature cited by the submitters: PubMed 21798893.